The following is an entry in ClinVar:

ClinVar aggregate classification (germline): Uncertain significance (1 of 4 stars; one submission).

Conditions:
CREBBP-related disorder. Also called: CREBBP-related condition; CREBBP-related disorders.

Submission:

PreventionGenetics, part of Exact Sciences
Classification: Uncertain significance for CREBBP-related condition. Last evaluated: 2025-01-06. Review status: criteria provided, single submitter. Criteria: ACMG Guidelines, 2015. Collection method: clinical testing. Allele origin: germline.
Comment: The CREBBP c.257T>C variant is predicted to result in the amino acid substitution p.Ile86Thr. To our knowledge, this variant has not been reported in the literature or in a large population database (gnomAD), indicating this variant is rare. At this time, the clinical significance of this variant is uncertain due to the absence of conclusive functional and genetic evidence.

NM_004380.3(CREBBP):c.257T>C (p.Ile86Thr)

Gene: CREBBP (CREB binding lysine acetyltransferase; minus strand). Cytogenetic location: 16p13.3.
Variant type: single nucleotide variant.
Coding change: c.257T>C on transcript NM_004380.3 (MANE Select); coding-DNA position 257, T replaced by C.
Protein change: p.Ile86Thr; replaces isoleucine 86 with threonine.
Molecular consequence: missense variant.
Genome position (GRCh38, 1-based): chr16:3,850,838, A>G on the plus strand (T>C on the coding strand, the complement: CREBBP is on the minus strand). VCF-style: chr16-3850838-A-G. GRCh37 (hg19) VCF-style: chr16-3900839-A-G.
Other names: c.257T>C, p.Ile86Thr (NM_001079846.1); short protein forms I86T.
Identifiers: ClinVar variation 5002279 (VCV005002279.1).
Genomic context (GRCh38, chr16:3,850,838, plus strand): 5'-TGCCCTTGAGCCTGGCCACCCAGGCCCTGCTGCACGGGGCTGCTGGCGCTCACATTTCCT[A>G]TTCCTGGGTTGATACTAGAGCCGCTGCCTCCTCGTAGAAGCTCCGACAGTTGTTTATGTT-3'
Protein context (NP_004371.2, residues 76-96): GGSGSSINPG[Ile86Thr]GNVSASSPVQ